The following is an entry in ClinVar:

ClinVar aggregate classification (germline): Conflicting classifications of pathogenicity. Review status: criteria provided, conflicting classifications (1 of 4 stars). 3 submissions from 3 submitters: Uncertain significance (1); Likely benign (2). Last evaluated 2025-12-20.

Conditions:
Cardiovascular phenotype. Identifiers: MedGen CN230736.
Long QT syndrome (LQTS). Identifiers: MedGen C0023976, MeSH D008133, MONDO:0002442. Disease mechanism: loss of function. Inheritance: Various modes of inheritance.

Submissions (3):

Labcorp Genetics (formerly Invitae), Labcorp
Classification: Likely benign for Long QT syndrome. Last evaluated: 2025-12-20. Review status: criteria provided, single submitter. Criteria: Invitae Variant Classification Sherloc (09022015). Collection method: clinical testing. Allele origin: germline.

Women's Health and Genetics/Laboratory Corporation of America, LabCorp
Classification: Uncertain significance. Last evaluated: 2025-03-18. Review status: criteria provided, single submitter. Criteria: LabCorp Variant Classification Summary - May 2015. Collection method: clinical testing. Allele origin: germline.
Comment: Variant summary: KCNJ5 c.843_844delinsTG (p.Gln282Glu) results in a conservative amino acid change in the encoded protein sequence. Three of four in-silico tools predict a benign effect of the variant on protein function. The frequency of this variant in the general population could not be determined as the technology used for large population databases (ExAC, gnomAD, ESP, 1000G) cannot detect variants of this type. The available data on variant occurrences in the general population are insufficient to allow any conclusion about variant significance. To our knowledge, no occurrence of c.843_844delinsTG in individuals affected with Familial hyperaldosteronism type III and no experimental evidence demonstrating its impact on protein function have been reported. ClinVar contains an entry for this variant (Variation ID: 412766). Based on the evidence outlined above, the variant was classified as uncertain significance.

Ambry Genetics
Classification: Likely benign for Cardiovascular phenotype. Last evaluated: 2024-05-31. Review status: criteria provided, single submitter. Criteria: Ambry Variant Classification Scheme 2023. Collection method: clinical testing. Allele origin: germline.

Literature cited by the submitters: PubMed 17967416 (cited by Women's Health and Genetics/Laboratory Corporation of America, LabCorp).

NM_000890.5(KCNJ5):c.843_844delinsTG (p.Gln282Glu)

Gene: KCNJ5 (potassium inwardly rectifying channel subfamily J member 5; plus strand). Cytogenetic location: 11q24.3.
Variant type: Indel.
Coding change: c.843_844delinsTG on transcript NM_000890.5 (MANE Select); coding-DNA positions 843 to 844, CC replaced by TG.
Protein change: p.Gln282Glu; replaces glutamine 282 with glutamic acid.
Molecular consequence: missense variant.
Genome position (GRCh38, 1-based): chr11:128,912,116-128,912,117, CC replaced by TG. VCF-style: chr11-128912116-CC-TG. GRCh37 (hg19) VCF-style: chr11-128782011-CC-TG.
Other names: c.843_844delCCinsTG (LRG_333t1); c.843_844delinsTG, p.Gln282Glu (NM_001354169.2); short protein forms Q282E.
Identifiers: ClinVar variation 412766 (VCV000412766.13), dbSNP rs1060503834, ClinGen allele CA16613481.